The following is an entry in ClinVar:

NM_002292.4(LAMB2):c.3628C>T (p.Arg1210Cys)

Gene: LAMB2 (laminin subunit beta 2; minus strand). Cytogenetic location: 3p21.31.
Variant type: single nucleotide variant.
Coding change: c.3628C>T on transcript NM_002292.4 (MANE Select); coding-DNA position 3628, C replaced by T.
Protein change: p.Arg1210Cys; replaces arginine 1210 with cysteine.
Molecular consequence: missense variant.
Genome position (GRCh38, 1-based): chr3:49,123,897, G>A on the plus strand (C>T on the coding strand, the complement: LAMB2 is on the minus strand). VCF-style: chr3-49123897-G-A. GRCh37 (hg19) VCF-style: chr3-49161330-G-A.
Other names: short protein forms R1210C.
Identifiers: ClinVar variation 1712362 (VCV001712362.12), dbSNP rs753602785, ClinGen allele CA2393999.
Genomic context (GRCh38, chr3:49,123,897, plus strand): 5'-TGCTCTCAAAGGCACCCAGCACACCCGTCTGTTGCAACTCCTGCGCCCGCTGCTCTAGGC[G>A]CTGTGTACGGGCTGCCAAGTCCTGCACCACTCGGTCCCAATCCCCGAAGCATGCATGGCA-3'
Protein context (NP_002283.3, residues 1200-1220): VVQDLAARTQ[Arg1210Cys]LEQRAQELQQ

ClinVar aggregate classification (germline): Uncertain significance. Review status: criteria provided, multiple submitters, no conflicts (2 of 4 stars). 5 submissions from 5 submitters: Uncertain significance (5). Last evaluated 2025-12-08.

Conditions:
Kidney disorder. Also called: renal disease; renal disorder; Nephropathy; Kidney disease; Kidney Diseases. Identifiers: MedGen C0022658, MONDO:0005240, HP:0000112.
Inborn genetic diseases. Identifiers: MedGen C0950123, MeSH D030342.
Pierson syndrome. Also called: MICROCORIA-CONGENITAL NEPHROTIC SYNDROME. Identifiers: Orphanet 2670, MedGen C1836876, MONDO:0012184, OMIM 609049.
LAMB2-related infantile-onset nephrotic syndrome. Also called: Nephrotic Syndrome, type 5; NEPHROTIC SYNDROME, TYPE 5, WITHOUT OCULAR ABNORMALITIES; NEPHROTIC SYNDROME, TYPE 5, WITH OCULAR ABNORMALITIES. Identifiers: Orphanet 306507, MedGen C3280113, MONDO:0013621, OMIM 614199.

Allele frequency attached by ClinVar (database versions not stated): gnomAD 0.00003; ExAC 0.00005; TOPMed 0.00005.
gnomAD v4.1: 59 of 1,613,216 alleles (0.0037%); highest among the groups gnomAD compares: East Asian, 0.025%; no homozygotes.

Submissions (5):

Ambry Genetics
Classification: Uncertain significance for Inborn genetic diseases. Last evaluated: 2025-12-08. Review status: criteria provided, single submitter. Criteria: Ambry Variant Classification Scheme 2023. Collection method: clinical testing. Allele origin: germline.

Fulgent Genetics
Classification: Uncertain significance for Pierson syndrome; LAMB2-related infantile-onset nephrotic syndrome. Last evaluated: 2024-05-21. Review status: criteria provided, single submitter. Criteria: ACMG Guidelines, 2015. Collection method: clinical testing. Allele origin: germline.

Labcorp Genetics (formerly Invitae), Labcorp
Classification: Uncertain significance for LAMB2-related infantile-onset nephrotic syndrome; Pierson syndrome. Last evaluated: 2022-01-26. Review status: criteria provided, single submitter. Criteria: Invitae Variant Classification Sherloc (09022015). Collection method: clinical testing. Allele origin: germline.
Comment: In summary, the available evidence is currently insufficient to determine the role of this variant in disease. Therefore, it has been classified as a Variant of Uncertain Significance. Algorithms developed to predict the effect of missense changes on protein structure and function (SIFT, PolyPhen-2, Align-GVGD) all suggest that this variant is likely to be tolerated. This variant has not been reported in the literature in individuals affected with LAMB2-related conditions. This variant is present in population databases (rs753602785, gnomAD 0.06%). This sequence change replaces arginine, which is basic and polar, with cysteine, which is neutral and slightly polar, at codon 1210 of the LAMB2 protein (p.Arg1210Cys).

Genome Diagnostics Laboratory, The Hospital for Sick Children
Classification: Uncertain significance for Kidney disorder. Last evaluated: 2016-12-12. Review status: criteria provided, single submitter. Criteria: ACMG Guidelines, 2015. Collection method: clinical testing. Allele origin: germline.

Breakthrough Genomics
Classification: Uncertain significance. Review status: criteria provided, single submitter. Criteria: ACMG Guidelines, 2015. Collection method: not provided. Allele origin: germline. Inheritance: Autosomal recessive inheritance. Affected: yes.